The following is an entry in ClinVar:

ClinVar aggregate classification (germline): Uncertain significance (1 of 4 stars; one submission).

Conditions:
Autosomal recessive early-onset Parkinson disease 6 (PARK6). Also called: PARKINSON DISEASE 6, MODIFIER OF; PARKINSON DISEASE 6, EARLY-ONSET; PINK1 Type of Young-Onset Parkinson Disease; PINK1-Related Parkinson Disease. Identifiers: Orphanet 2828, MedGen C1853833, MONDO:0011613, OMIM 605909.

Submission:

Labcorp Genetics (formerly Invitae), Labcorp
Classification: Uncertain significance for Autosomal recessive early-onset Parkinson disease 6. Last evaluated: 2022-07-31. Review status: criteria provided, single submitter. Criteria: Invitae Variant Classification Sherloc (09022015). Collection method: clinical testing. Allele origin: germline.
Comment: In summary, the available evidence is currently insufficient to determine the role of this variant in disease. Therefore, it has been classified as a Variant of Uncertain Significance. Algorithms developed to predict the effect of missense changes on protein structure and function are either unavailable or do not agree on the potential impact of this missense change (SIFT: "Deleterious"; PolyPhen-2: "Possibly Damaging"; Align-GVGD: "Class C0"). This variant has not been reported in the literature in individuals affected with PINK1-related conditions. This variant is not present in population databases (gnomAD no frequency). This sequence change replaces arginine, which is basic and polar, with cysteine, which is neutral and slightly polar, at codon 68 of the PINK1 protein (p.Arg68Cys).

NM_032409.3(PINK1):c.202C>T (p.Arg68Cys)

Genes: MIR6084 (microRNA 6084; plus strand), PINK1 (PTEN induced kinase 1; plus strand). Cytogenetic location: 1p36.12.
Variant type: single nucleotide variant.
Coding change: c.202C>T on transcript NM_032409.3 (MANE Select); coding-DNA position 202, C replaced by T.
Protein change: p.Arg68Cys; replaces arginine 68 with cysteine.
Molecular consequence: missense variant. On other transcripts: non-coding transcript variant (1).
Genome position (GRCh38, 1-based): chr1:20,633,750, C>T. VCF-style: chr1-20633750-C-T. GRCh37 (hg19) VCF-style: chr1-20960243-C-T.
Other names: short protein forms R68C.
Identifiers: ClinVar variation 1957746 (VCV001957746.5), dbSNP rs1390551264, ClinGen allele CA338853713.